The following is an entry in ClinVar:

NM_015272.5(RPGRIP1L):c.2012A>G (p.Gln671Arg)

Gene: RPGRIP1L (RPGRIP1 like; minus strand). Cytogenetic location: 16q12.2.
Variant type: single nucleotide variant.
Coding change: c.2012A>G on transcript NM_015272.5 (MANE Select); coding-DNA position 2012, A replaced by G.
Protein change: p.Gln671Arg; replaces glutamine 671 with arginine.
Molecular consequence: missense variant.
Genome position (GRCh38, 1-based): chr16:53,652,675, T>C on the plus strand (A>G on the coding strand, the complement: RPGRIP1L is on the minus strand). VCF-style: chr16-53652675-T-C. GRCh37 (hg19) VCF-style: chr16-53686587-T-C.
Other names: c.2012A>G, p.Gln671Arg (NM_001127897.4, NM_001308334.3, NM_001330538.2); c.2012A>G (NM_015272.4); short protein forms Q671R.
Identifiers: ClinVar variation 2073411 (VCV002073411.5), dbSNP rs913835653, ClinGen allele CA281343974.
Genomic context (GRCh38, chr16:53,652,675, plus strand): 5'-TCATATTCTGTGCTATAAGCCTGGTGGACCTCAAGGGTGATAGTATTCTTCTGAATATAT[T>C]GCAAAAATAAGTCATTAACATGAACAAGATATTGAGAAGTGAAGTTATATTCGGGATGAA-3'
Protein context (NP_056087.2, residues 661-681): YLVHVNDLFL[Gln671Arg]YIQKNTITLE

ClinVar aggregate classification (germline): Uncertain significance. Review status: criteria provided, multiple submitters, no conflicts (2 of 4 stars). 2 submissions from 2 submitters: Uncertain significance (2). Last evaluated 2025-06-12.

Conditions:
RPGRIP1L-related disorder. Also called: RPGRIP1L-related disorders; RPGRIP1L-related condition. Identifiers: MedGen CN239416.
Joubert syndrome. Also called: Familial aplasia of the vermis; JOUBERT-BOLTSHAUSER SYNDROME. Identifiers: Orphanet 475, MedGen C5979921, MONDO:0018772.
Meckel-Gruber syndrome. Also called: Dysencephalia splachnocystica; DYSENCEPHALIA SPLANCHNOCYSTICA; GRUBER SYNDROME. Identifiers: Orphanet 564, MedGen C0265215, MONDO:0018921.

Allele frequency attached by ClinVar (database versions not stated): gnomAD exomes below 0.00001; gnomAD 0.00003; TOPMed 0.00003.

Submissions (2):

Labcorp Genetics (formerly Invitae), Labcorp
Classification: Uncertain significance for Joubert syndrome; Meckel-Gruber syndrome. Last evaluated: 2025-06-12. Review status: criteria provided, single submitter. Criteria: Invitae Variant Classification Sherloc (09022015). Collection method: clinical testing. Allele origin: germline.
Comment: This sequence change replaces glutamine, which is neutral and polar, with arginine, which is basic and polar, at codon 671 of the RPGRIP1L protein (p.Gln671Arg). This variant is present in population databases (no rsID available, gnomAD 0.01%). This variant has not been reported in the literature in individuals affected with RPGRIP1L-related conditions. ClinVar contains an entry for this variant (Variation ID: 2073411). Invitae Evidence Modeling of protein sequence and biophysical properties (such as structural, functional, and spatial information, amino acid conservation, physicochemical variation, residue mobility, and thermodynamic stability) indicates that this missense variant is not expected to disrupt RPGRIP1L protein function with a negative predictive value of 80%. In summary, the available evidence is currently insufficient to determine the role of this variant in disease. Therefore, it has been classified as a Variant of Uncertain Significance.

PreventionGenetics, part of Exact Sciences
Classification: Uncertain significance for RPGRIP1L-related condition. Last evaluated: 2025-02-19. Review status: criteria provided, single submitter. Criteria: ACMG Guidelines, 2015. Collection method: clinical testing. Allele origin: germline.
Comment: The RPGRIP1L c.2012A>G variant is predicted to result in the amino acid substitution p.Gln671Arg. To our knowledge, this variant has not been reported in the literature. This variant is reported in 0.011% of alleles in individuals of African descent in gnomAD. At this time, the clinical significance of this variant is uncertain due to the absence of conclusive functional and genetic evidence.